The following is an entry in ClinVar:

NM_001166114.2(PNPLA6):c.2708C>T (p.Ala903Val)

Gene: PNPLA6 (patatin like domain 6, lysophospholipase; plus strand). Cytogenetic location: 19p13.2.
Variant type: single nucleotide variant.
Coding change: c.2708C>T on transcript NM_001166114.2 (MANE Select); coding-DNA position 2708, C replaced by T.
Protein change: p.Ala903Val; replaces alanine 903 with valine.
Molecular consequence: missense variant.
Genome position (GRCh38, 1-based): chr19:7,554,966, C>T. VCF-style: chr19-7554966-C-T. GRCh37 (hg19) VCF-style: chr19-7619852-C-T.
Other names: c.2738C>T, p.Ala913Val (NM_001166111.2); c.2513C>T, p.Ala838Val (NM_001166112.2); c.2594C>T, p.Ala865Val (NM_001166113.1, NM_006702.5); short protein forms A838V, A865V, A903V, A913V.
Identifiers: ClinVar variation 1020337 (VCV001020337.8), dbSNP rs1319203305, ClinGen allele CA403129647.

ClinVar aggregate classification (germline): Uncertain significance (1 of 4 stars; one submission).

Conditions:
Hereditary spastic paraplegia 39 (SPG39). Also called: SPASTIC PARAPLEGIA 39, AUTOSOMAL RECESSIVE; Spastic Paraplegia Type 39 (SPG39). Identifiers: Orphanet 139480, MedGen C2677586, MONDO:0012787, OMIM 612020.

Allele frequency attached by ClinVar (database versions not stated): gnomAD exomes below 0.00001.
gnomAD v4.1: 1 of 1,590,586 alleles (0.000063%); highest among the groups gnomAD compares: Non-Finnish European, 0.000085%; no homozygotes.

Submission:

Labcorp Genetics (formerly Invitae), Labcorp
Classification: Uncertain significance for Hereditary spastic paraplegia 39. Last evaluated: 2020-06-26. Review status: criteria provided, single submitter. Criteria: Invitae Variant Classification Sherloc (09022015). Collection method: clinical testing. Allele origin: germline.
Comment: In summary, the available evidence is currently insufficient to determine the role of this variant in disease. Therefore, it has been classified as a Variant of Uncertain Significance. Algorithms developed to predict the effect of missense changes on protein structure and function (SIFT, PolyPhen-2, Align-GVGD) all suggest that this variant is likely to be tolerated, but these predictions have not been confirmed by published functional studies and their clinical significance is uncertain. This variant has not been reported in the literature in individuals with PNPLA6-related conditions. This variant is not present in population databases (ExAC no frequency). This sequence change replaces alanine with valine at codon 865 of the PNPLA6 protein (p.Ala865Val). The alanine residue is weakly conserved and there is a small physicochemical difference between alanine and valine.